The following is an entry in ClinVar:

NM_021927.3(GUF1):c.283A>G (p.Ile95Val)

Gene: GUF1 (GTP binding elongation factor GUF1; plus strand). Cytogenetic location: 4p12.
Variant type: single nucleotide variant.
Coding change: c.283A>G on transcript NM_021927.3 (MANE Select); coding-DNA position 283, A replaced by G.
Protein change: p.Ile95Val; replaces isoleucine 95 with valine.
Molecular consequence: missense variant. On other transcripts: 5 prime UTR variant (2).
Genome position (GRCh38, 1-based): chr4:44,680,699, A>G. VCF-style: chr4-44680699-A-G. GRCh37 (hg19) VCF-style: chr4-44682716-A-G.
Other names: c.-686A>G (NM_001345867.2); c.283A>G, p.Ile95Val (NM_001345868.2); c.-690A>G (NM_001345869.2); short protein forms I95V.
Identifiers: ClinVar variation 710926 (VCV000710926.13), dbSNP rs115253144, ClinGen allele CA2905253.

ClinVar aggregate classification (germline): Benign. Review status: criteria provided, multiple submitters, no conflicts (2 of 4 stars). 3 submissions from 3 submitters: Benign (2). 1 of the submissions does not count toward it. Last evaluated 2026-01-19.

Conditions:
GUF1-related disorder. Also called: GUF1-related condition.

Allele frequency attached by ClinVar (database versions not stated): gnomAD exomes 0.00020 and 0.00062; ExAC 0.00148; ESP Exome Variant Server 0.00186; gnomAD 0.00193 and 0.00211; TOPMed 0.00204; 1000 Genomes Project 0.00140; 1000 Genomes Project 30x 0.00141.
gnomAD v4.1: 588 of 1,590,666 alleles (0.037%); highest among the groups gnomAD compares: African/African-American, 0.68%; 2 homozygotes.

Submissions (3):

Labcorp Genetics (formerly Invitae), Labcorp
Classification: Benign. Last evaluated: 2026-01-19. Review status: criteria provided, single submitter. Criteria: Invitae Variant Classification Sherloc (09022015). Collection method: clinical testing. Allele origin: germline.

Breakthrough Genomics
Classification: Benign. Review status: criteria provided, single submitter. Criteria: ACMG Guidelines, 2015. Collection method: not provided. Allele origin: germline. Inheritance: Autosomal recessive inheritance. Affected: yes.

PreventionGenetics, part of Exact Sciences
Classification: Benign for GUF1-related condition. Last evaluated: 2019-07-29. Review status: no assertion criteria provided. Collection method: clinical testing. Allele origin: germline. Not counted in ClinVar's aggregate classification.
Comment: This variant is classified as benign based on ACMG/AMP sequence variant interpretation guidelines (Richards et al. 2015 PMID: 25741868, with internal and published modifications).